The following is an entry in ClinVar:

NM_000548.5(TSC2):c.3964G>A (p.Ala1322Thr)

Gene: TSC2 (TSC complex subunit 2; plus strand). Cytogenetic location: 16p13.3.
Variant type: single nucleotide variant.
Coding change: c.3964G>A on transcript NM_000548.5 (MANE Select); coding-DNA position 3964, G replaced by A.
Protein change: p.Ala1322Thr; replaces alanine 1322 with threonine.
Molecular consequence: missense variant.
Genome position (GRCh38, 1-based): chr16:2,083,775, G>A. VCF-style: chr16-2083775-G-A. GRCh37 (hg19) VCF-style: chr16-2133776-G-A.
Other names: c.3763G>A, p.Ala1255Thr (NM_001077183.3); c.3895G>A, p.Ala1299Thr (NM_001114382.3); c.3655G>A, p.Ala1219Thr (NM_001318827.2); c.3619G>A, p.Ala1207Thr (NM_001318829.2); c.3232G>A, p.Ala1078Thr (NM_001318831.2); c.3796G>A, p.Ala1266Thr (NM_001318832.2); c.3766G>A, p.Ala1256Thr (NM_001363528.2); c.3832G>A, p.Ala1278Thr (NM_001370404.1); and 1 more; short protein forms A1322T, A1255T, A1219T, A1256T, A1266T, A1278T, A1299T, A1078T.
Identifiers: ClinVar variation 568497 (VCV000568497.9), dbSNP rs759790981, ClinGen allele CA276752843.

ClinVar aggregate classification (germline): Uncertain significance. Review status: criteria provided, multiple submitters, no conflicts (2 of 4 stars). 2 submissions from 2 submitters: Uncertain significance (2). Last evaluated 2024-07-25.

Conditions:
Hereditary cancer-predisposing syndrome. Also called: Neoplastic Syndromes, Hereditary; Tumor predisposition; Hereditary Cancer Syndrome; Hereditary neoplastic syndrome. Identifiers: Orphanet 140162, MedGen C0027672, MeSH D009386, MONDO:0015356.
Tuberous sclerosis 2 (TSC2). Identifiers: Orphanet 805, MedGen C1860707, MONDO:0013199, OMIM 613254.

Allele frequency attached by ClinVar (database versions not stated): gnomAD exomes below 0.00001; TOPMed below 0.00001; gnomAD 0.00001.
gnomAD v4.1: 3 of 1,611,098 alleles (0.00019%); highest among the groups gnomAD compares: Non-Finnish European, 0.00017%; no homozygotes.

Submissions (2):

Ambry Genetics
Classification: Uncertain significance for Hereditary cancer-predisposing syndrome. Last evaluated: 2024-07-25. Review status: criteria provided, single submitter. Criteria: Ambry Variant Classification Scheme 2023. Collection method: clinical testing. Allele origin: germline.
Comment: The p.A1322T variant (also known as c.3964G>A), located in coding exon 32 of the TSC2 gene, results from a G to A substitution at nucleotide position 3964. The alanine at codon 1322 is replaced by threonine, an amino acid with similar properties. This amino acid position is not well conserved in available vertebrate species. In addition, the in silico prediction for this alteration is inconclusive. Based on the available evidence, the clinical significance of this variant remains unclear.

Labcorp Genetics (formerly Invitae), Labcorp
Classification: Uncertain significance for Tuberous sclerosis 2. Last evaluated: 2022-12-03. Review status: criteria provided, single submitter. Criteria: Invitae Variant Classification Sherloc (09022015). Collection method: clinical testing. Allele origin: germline.
Comment: Advanced modeling of protein sequence and biophysical properties (such as structural, functional, and spatial information, amino acid conservation, physicochemical variation, residue mobility, and thermodynamic stability) performed at Invitae indicates that this missense variant is not expected to disrupt TSC2 protein function. In summary, the available evidence is currently insufficient to determine the role of this variant in disease. Therefore, it has been classified as a Variant of Uncertain Significance. ClinVar contains an entry for this variant (Variation ID: 568497). This variant has not been reported in the literature in individuals affected with TSC2-related conditions. This variant is not present in population databases (gnomAD no frequency). This sequence change replaces alanine, which is neutral and non-polar, with threonine, which is neutral and polar, at codon 1322 of the TSC2 protein (p.Ala1322Thr).